The following is an entry in ClinVar:

ClinVar aggregate classification (germline): Uncertain significance (1 of 4 stars; one submission).

Allele frequency attached by ClinVar (database versions not stated): TOPMed below 0.00001; ExAC 0.00001; gnomAD exomes 0.00002.
gnomAD v4.1: 26 of 1,614,180 alleles (0.0016%); highest among the groups gnomAD compares: Admixed American, 0.0033%; no homozygotes.

Submission:

Labcorp Genetics (formerly Invitae), Labcorp
Classification: Uncertain significance. Last evaluated: 2025-09-02. Review status: criteria provided, single submitter. Criteria: Invitae Variant Classification Sherloc (09022015). Collection method: clinical testing. Allele origin: germline.
Comment: This sequence change replaces lysine, which is basic and polar, with threonine, which is neutral and polar, at codon 1350 of the SETBP1 protein (p.Lys1350Thr). This variant is present in population databases (rs776436196, gnomAD 0.006%). This variant has not been reported in the literature in individuals affected with SETBP1-related conditions. ClinVar contains an entry for this variant (Variation ID: 1373127). Invitae Evidence Modeling of protein sequence and biophysical properties (such as structural, functional, and spatial information, amino acid conservation, physicochemical variation, residue mobility, and thermodynamic stability) indicates that this missense variant is not expected to disrupt SETBP1 protein function with a negative predictive value of 80%. In summary, the available evidence is currently insufficient to determine the role of this variant in disease. Therefore, it has been classified as a Variant of Uncertain Significance.

NM_015559.3(SETBP1):c.4049A>C (p.Lys1350Thr)

Gene: SETBP1 (SET binding protein 1; plus strand). Cytogenetic location: 18q12.3.
Variant type: single nucleotide variant.
Coding change: c.4049A>C on transcript NM_015559.3 (MANE Select); coding-DNA position 4049, A replaced by C.
Protein change: p.Lys1350Thr; replaces lysine 1350 with threonine.
Molecular consequence: missense variant.
Genome position (GRCh38, 1-based): chr18:45,038,533, A>C. VCF-style: chr18-45038533-A-C. GRCh37 (hg19) VCF-style: chr18-42618498-A-C.
Other names: c.4049A>C, p.Lys1350Thr (NM_001379141.1, NM_001379142.1); short protein forms K1350T.
Identifiers: ClinVar variation 1373127 (VCV001373127.7), dbSNP rs776436196, ClinGen allele CA8946070.
Genomic context (GRCh38, chr18:45,038,533, plus strand): 5'-GTTATTTTTTAGGGATGCCAAGTCCCCACTTAAAAGTGGACCAGACAGCAGTGCATAGTA[A>C]GAACGAAGGCTCAGTGCCCACCATGATGACCAGGAAGAAGCCAGCCGCAGTTGACAGTGT-3'
Protein context (NP_056374.2, residues 1340-1360): LKVDQTAVHS[Lys1350Thr]NEGSVPTMMT